The following is an entry in ClinVar:

NM_003480.4(MFAP5):c.275C>T (p.Thr92Ile)

Gene: MFAP5 (microfibril associated protein 5; minus strand). Cytogenetic location: 12p13.31.
Variant type: single nucleotide variant.
Coding change: c.275C>T on transcript NM_003480.4 (MANE Select); coding-DNA position 275, C replaced by T.
Protein change: p.Thr92Ile; replaces threonine 92 with isoleucine.
Molecular consequence: missense variant. On other transcripts: non-coding transcript variant (2), intron variant (1).
Genome position (GRCh38, 1-based): chr12:8,650,562, G>A on the plus strand (C>T on the coding strand, the complement: MFAP5 is on the minus strand). VCF-style: chr12-8650562-G-A. GRCh37 (hg19) VCF-style: chr12-8803158-G-A.
Other names: c.245C>T, p.Thr82Ile (NM_001297709.2); c.209C>T, p.Thr70Ile (NM_001297710.2); c.200C>T, p.Thr67Ile (NM_001297711.2); c.218-2359C>T (NM_001297712.2); short protein forms T82I, T67I, T92I, T70I.
Identifiers: ClinVar variation 4770464 (VCV004770464.1).
Genomic context (GRCh38, chr12:8,650,562, plus strand): 5'-CTGGTGAAGCATAACTGATGAATGCATTGTTTAACCGGCCGATGCACAGAGTAGAGCCTT[G>A]TGCAGGTAAATTTCTCATCCCAGCACTCTGAGGAAGCCCAATACAAAAAAATAAGGAGGT-3'
Protein context (NP_003471.1, residues 82-102): AECWDEKFTC[Thr92Ile]RLYSVHRPVK

ClinVar aggregate classification (germline): Uncertain significance (1 of 4 stars; one submission).

gnomAD v4.1: 1 of 1,614,018 alleles (0.000062%); highest among the groups gnomAD compares: Non-Finnish European, 0.000085%; no homozygotes.

Submission:

Labcorp Genetics (formerly Invitae), Labcorp
Classification: Uncertain significance. Last evaluated: 2025-09-08. Review status: criteria provided, single submitter. Criteria: Invitae Variant Classification Sherloc (09022015). Collection method: clinical testing. Allele origin: germline.
Comment: This sequence change replaces threonine, which is neutral and polar, with isoleucine, which is neutral and non-polar, at codon 92 of the MFAP5 protein (p.Thr92Ile). This variant is not present in population databases (gnomAD no frequency). This variant has not been reported in the literature in individuals affected with MFAP5-related conditions. An algorithm developed to predict the effect of missense changes on protein structure and function (PolyPhen-2) suggests that this variant is likely to be disruptive. Algorithms developed to predict the effect of sequence changes on RNA splicing suggest that this variant may disrupt the consensus splice site. In summary, the available evidence is currently insufficient to determine the role of this variant in disease. Therefore, it has been classified as a Variant of Uncertain Significance.